The following is an entry in ClinVar:

ClinVar aggregate classification (germline): Likely benign. Review status: criteria provided, multiple submitters, no conflicts (2 of 4 stars). 4 submissions from 4 submitters: Likely benign (4). Last evaluated 2026-06-23.

Conditions:
FGFR3-related chondrodysplasia. Identifiers: Orphanet 93420, MedGen C5681604, MONDO:0019685.

Allele frequency attached by ClinVar (database versions not stated): ExAC 0.00002; gnomAD exomes 0.00002; TOPMed 0.00003; gnomAD 0.00007; ESP Exome Variant Server 0.00015.
gnomAD v4.1: 33 of 1,613,976 alleles (0.002%); highest among the groups gnomAD compares: Admixed American, 0.01%; no homozygotes.

Submissions (4):

Genomenon, Inc
Classification: Likely benign for FGFR3-related chondrodysplasia. Last evaluated: 2026-06-23. Review status: criteria provided, single submitter. Criteria: Genomenon Sequence Variant Interpretation Standards - Updated. Collection method: curation. Allele origin: germline. Affected: no.
Comment: FGFR3 p.Asp333= (c.999C>T) is a synonymous variant that retains Aspartic acid at codon 333. This variant has been reported in the published literature (PMID:35210354). It is absent or not present at a significant frequency in gnomAD. This variant is not predicted to impact splicing. In conclusion, we classify FGFR3 p.Asp333= (c.999C>T) as a likely benign variant.

CeGaT Center for Human Genetics Tuebingen
Classification: Likely benign. Last evaluated: 2026-05-01. Review status: criteria provided, single submitter. Criteria: CeGaT Center For Human Genetics Tuebingen Variant Classification Criteria Version 2. Collection method: clinical testing. Allele origin: germline. Affected: yes. Observed: 1 variant allele.
Comment: FGFR3: BP4, BP7

Labcorp Genetics (formerly Invitae), Labcorp
Classification: Likely benign. Last evaluated: 2024-10-07. Review status: criteria provided, single submitter. Criteria: Invitae Variant Classification Sherloc (09022015). Collection method: clinical testing. Allele origin: germline.

Blueprint Genetics
Classification: Likely benign. Last evaluated: 2022-05-11. Review status: criteria provided, single submitter. Criteria: ACMG Guidelines, 2015. Collection method: clinical testing. Allele origin: germline.

Literature cited by the submitters: PubMed 35210354 (cited by Genomenon, Inc).

NM_000142.5(FGFR3):c.999C>T (p.Asp333=)

Gene: FGFR3 (fibroblast growth factor receptor 3; plus strand). Cytogenetic location: 4p16.3.
Variant type: single nucleotide variant.
Coding change: c.999C>T on transcript NM_000142.5 (MANE Select); coding-DNA position 999, C replaced by T.
Protein change: p.Asp333=; no amino-acid change (aspartic acid 333 retained).
Molecular consequence: synonymous variant. On other transcripts: non-coding transcript variant (1), intron variant (2).
Genome position (GRCh38, 1-based): chr4:1,803,760, C>T. VCF-style: chr4-1803760-C-T. GRCh37 (hg19) VCF-style: chr4-1805487-C-T.
Other names: c.999C>T, p.Asp333= (NM_001354809.2, NM_001354810.2); c.1082-570C>T (NM_001163213.2); c.931-1064C>T (NM_022965.4).
Identifiers: ClinVar variation 1680051 (VCV001680051.12), dbSNP rs370530264, ClinGen allele CA2810158.